The following is an entry in ClinVar:

ClinVar aggregate classification (germline): Uncertain significance. Review status: criteria provided, multiple submitters, no conflicts (2 of 4 stars). 2 submissions from 2 submitters: Uncertain significance (2). Last evaluated 2025-04-11.

Allele frequency attached by ClinVar (database versions not stated): ExAC 0.00001; gnomAD exomes 0.00002.
gnomAD v4.1: 14 of 1,613,774 alleles (0.00087%); highest among the groups gnomAD compares: East Asian, 0.031%; no homozygotes.

Submissions (2):

ARUP Laboratories, Molecular Genetics and Genomics, ARUP Laboratories
Classification: Uncertain significance. Last evaluated: 2025-04-11. Review status: criteria provided, single submitter. Criteria: ARUP Molecular Germline Variant Investigation Process 2024. Collection method: clinical testing. Allele origin: germline.
Comment: The TTN c.24161T>A; p.Ile8054Lys variant (rs745362139; ClinVar Variation ID: 2437728) is rare in the general population (<0.2% allele frequency in the Genome Aggregation Database) and has not been reported in the medical literature in association with dilated cardiomyopathy (DCM) or other TTN-related disease. The clinical relevance of rare missense variants in this gene, which are identified on average once per individual sequenced in affected populations (Herman 2012), is not well understood. Yet, evidence suggests that the vast majority of such missense variants do not contribute to the clinical outcome of DCM (Begay 2015). Thus, the clinical significance of the p.Ile8054Lys variant cannot be determined with certainty. References: Begay RL et al. Role of Titin Missense Variants in Dilated Cardiomyopathy. J Am Heart Assoc. 2015 Nov 13;4(11). PMID: 26567375. Herman DS et al. Truncations of titin causing dilated cardiomyopathy. N Engl J Med. 2012 Feb 16;366(7):619-28. PMID: 22335739. Linke WA and Hamdani N. Gigantic business: titin properties and function through thick and thin. Circ Res 2014; 114(6): 1052-1068. PMID: 24625729.

Revvity Omics, Revvity
Classification: Uncertain significance. Last evaluated: 2021-06-06. Review status: criteria provided, single submitter. Criteria: ACMG Guidelines, 2015. Collection method: clinical testing. Allele origin: germline.

NM_001267550.2(TTN):c.24161T>A (p.Ile8054Lys)

Gene: TTN (titin; minus strand). Cytogenetic location: 2q31.2.
Variant type: single nucleotide variant.
Coding change: c.24161T>A on transcript NM_001267550.2 (MANE Select); coding-DNA position 24161, T replaced by A.
Protein change: p.Ile8054Lys; replaces isoleucine 8054 with lysine.
Molecular consequence: missense variant. On other transcripts: intron variant (3).
Genome position (GRCh38, 1-based): chr2:178,719,229, A>T on the plus strand (T>A on the coding strand, the complement: TTN is on the minus strand). VCF-style: chr2-178719229-A-T. GRCh37 (hg19) VCF-style: chr2-179583956-A-T.
Other names: c.23210T>A, p.Ile7737Lys (NM_001256850.1); c.20429T>A, p.Ile6810Lys (NM_133378.4); c.13282+18853T>A (NM_003319.4); c.13858+18853T>A (NM_133437.4); c.13657+18853T>A (NM_133432.3); short protein forms I6810K, I7737K, I8054K.
Identifiers: ClinVar variation 2437728 (VCV002437728.4), dbSNP rs745362139, ClinGen allele CA2000492.